The following is an entry in ClinVar:

ClinVar aggregate classification (germline): Uncertain significance (1 of 4 stars; one submission).

Conditions:
UDPglucose-4-epimerase deficiency. Also called: UDP-GALACTOSE-4-EPIMERASE DEFICIENCY; Galactose epimerase deficiency; UDPglucose 4-Epimerase Deficiency Disease; GALACTOSEMIA III; GALE DEFICIENCY; Epimerase Deficiency Galactosemia. Identifiers: Orphanet 352, Orphanet 79238, MedGen C0751161, MONDO:0009257, OMIM 230350.

Allele frequency attached by ClinVar (database versions not stated): gnomAD 0.00002; ExAC 0.00003; gnomAD exomes 0.00003; TOPMed 0.00004.
gnomAD v4.1: 47 of 1,613,986 alleles (0.0029%); highest among the groups gnomAD compares: Non-Finnish European, 0.0034%; no homozygotes.

Submission:

Labcorp Genetics (formerly Invitae), Labcorp
Classification: Uncertain significance for UDPglucose-4-epimerase deficiency. Last evaluated: 2025-02-06. Review status: criteria provided, single submitter. Criteria: Invitae Variant Classification Sherloc (09022015). Collection method: clinical testing. Allele origin: germline.
Comment: This sequence change replaces glutamic acid, which is acidic and polar, with lysine, which is basic and polar, at codon 96 of the GALE protein (p.Glu96Lys). This variant is present in population databases (rs553417178, gnomAD 0.005%). This missense change has been observed in individual(s) with GALE-related conditions (PMID: 36515074). ClinVar contains an entry for this variant (Variation ID: 2083979). Invitae Evidence Modeling of protein sequence and biophysical properties (such as structural, functional, and spatial information, amino acid conservation, physicochemical variation, residue mobility, and thermodynamic stability) has been performed for this missense variant. However, the output from this modeling did not meet the statistical confidence thresholds required to predict the impact of this variant on GALE protein function. In summary, the available evidence is currently insufficient to determine the role of this variant in disease. Therefore, it has been classified as a Variant of Uncertain Significance.

Literature cited by the submitters: PubMed 36515074.

NM_001008216.2(GALE):c.286G>A (p.Glu96Lys)

Gene: GALE (UDP-galactose-4-epimerase; minus strand). Cytogenetic location: 1p36.11.
Variant type: single nucleotide variant.
Coding change: c.286G>A on transcript NM_001008216.2 (MANE Select); coding-DNA position 286, G replaced by A.
Protein change: p.Glu96Lys; replaces glutamic acid 96 with lysine.
Molecular consequence: missense variant.
Genome position (GRCh38, 1-based): chr1:23,798,182, C>T on the plus strand (G>A on the coding strand, the complement: GALE is on the minus strand). VCF-style: chr1-23798182-C-T. GRCh37 (hg19) VCF-style: chr1-24124672-C-T.
Other names: c.286G>A, p.Glu96Lys (NM_000403.4, NM_001127621.2); short protein forms E96K.
Identifiers: ClinVar variation 2083979 (VCV002083979.3), dbSNP rs553417178, ClinGen allele CA685704.